The following is an entry in ClinVar:

ClinVar aggregate classification (germline): Uncertain significance (1 of 4 stars; one submission).

gnomAD v4.1: 1 of 1,559,252 alleles (0.000064%); highest among the groups gnomAD compares: Non-Finnish European, 0.000087%; no homozygotes.

Submission:

Labcorp Genetics (formerly Invitae), Labcorp
Classification: Uncertain significance. Last evaluated: 2025-07-10. Review status: criteria provided, single submitter. Criteria: Invitae Variant Classification Sherloc (09022015). Collection method: clinical testing. Allele origin: germline.
Comment: This sequence change replaces glycine, which is neutral and non-polar, with arginine, which is basic and polar, at codon 238 of the COL9A3 protein (p.Gly238Arg). This variant is not present in population databases (gnomAD no frequency). This variant has not been reported in the literature in individuals affected with COL9A3-related conditions. ClinVar contains an entry for this variant (Variation ID: 2860478). Invitae Evidence Modeling of protein sequence and biophysical properties (such as structural, functional, and spatial information, amino acid conservation, physicochemical variation, residue mobility, and thermodynamic stability) indicates that this missense variant is expected to disrupt COL9A3 protein function with a positive predictive value of 95%. In summary, the available evidence is currently insufficient to determine the role of this variant in disease. Therefore, it has been classified as a Variant of Uncertain Significance.

NM_001853.4(COL9A3):c.712G>A (p.Gly238Arg)

Gene: COL9A3 (collagen type IX alpha 3 chain; plus strand). Cytogenetic location: 20q13.33.
Variant type: single nucleotide variant.
Coding change: c.712G>A on transcript NM_001853.4 (MANE Select); coding-DNA position 712, G replaced by A.
Protein change: p.Gly238Arg; replaces glycine 238 with arginine.
Molecular consequence: missense variant.
Genome position (GRCh38, 1-based): chr20:62,826,231, G>A. VCF-style: chr20-62826231-G-A. GRCh37 (hg19) VCF-style: chr20-61457583-G-A.
Other names: short protein forms G238R.
Identifiers: ClinVar variation 2860478 (VCV002860478.3), dbSNP rs1254978788, ClinGen allele CA409591960.